The following is an entry in ClinVar:

ClinVar aggregate classification (germline): Uncertain significance. Review status: criteria provided, multiple submitters, no conflicts (2 of 4 stars). 3 submissions from 3 submitters: Uncertain significance (2). 1 of the submissions does not count toward it. Last evaluated 2021-09-01.

Conditions:
Ehlers-Danlos syndrome, dermatosparaxis type. Also called: Ehlers-Danlos syndrome, type VII, autosomal recessive; EDS VIIC; Dermatosparaxis. Identifiers: Orphanet 1901, MedGen C2700425, MONDO:0009161, OMIM 225410.
Ehlers-Danlos syndrome (EDS). Identifiers: Orphanet 98249, MedGen C0013720, MONDO:0020066.

Submissions (3):

Labcorp Genetics (formerly Invitae), Labcorp
Classification: Uncertain significance for Ehlers-Danlos syndrome, dermatosparaxis type. Last evaluated: 2021-09-01. Review status: criteria provided, single submitter. Criteria: Invitae Variant Classification Sherloc (09022015). Collection method: clinical testing. Allele origin: germline.
Comment: This variant, c.77_79del, results in the deletion of 1 amino acid(s) of the ADAMTS2 protein (p.Pro26del), but otherwise preserves the integrity of the reading frame. The frequency data for this variant in the population databases is considered unreliable, as metrics indicate insufficient coverage at this position in the ExAC database. This variant has not been reported in the literature in individuals affected with ADAMTS2-related conditions. Experimental studies and prediction algorithms are not available or were not evaluated, and the functional significance of this variant is currently unknown. In summary, the available evidence is currently insufficient to determine the role of this variant in disease. Therefore, it has been classified as a Variant of Uncertain Significance.

Genome Diagnostics Laboratory, The Hospital for Sick Children
Classification: Uncertain significance for Ehlers-Danlos syndrome. Last evaluated: 2018-12-01. Review status: criteria provided, single submitter. Criteria: ACMG Guidelines, 2015. Collection method: clinical testing. Allele origin: germline.

Natera, Inc.
Classification: Uncertain significance for Ehlers-Danlos syndrome type VIIC. Last evaluated: 2020-02-26. Review status: no assertion criteria provided. Collection method: clinical testing. Allele origin: germline. Not counted in ClinVar's aggregate classification.

NM_014244.5(ADAMTS2):c.71CGC[2] (p.Pro26del)

Gene: ADAMTS2 (ADAM metallopeptidase with thrombospondin type 1 motif 2; minus strand). Cytogenetic location: 5q35.3.
Variant type: Microsatellite.
Coding change: c.71CGC[2] on transcript NM_014244.5 (MANE Select); two copies in a row of the 3-base unit CGC starting at c.71; the reference has three copies in a row; one copy, 3 bases deleted; also written c.77_79del.
Protein change: p.Pro26del; deletes proline 26.
Molecular consequence: inframe deletion.
Genome position (GRCh38, 1-based): chr5:179,345,250-179,345,252, GCG deleted on the plus strand (CGC on the coding strand, the reverse complement: ADAMTS2 is on the minus strand); deleting any 3 consecutive bases within chr5:179,345,250-179,345,260 gives the same sequence; the position shown is the placement nearest the transcript's 3' end. VCF-style (leftmost placement, unchanged base first): chr5-179345249-AGCG-A. GRCh37 (hg19) VCF-style: chr5-178772250-AGCG-A.
Other names: c.77_79del (NM_014244.5); c.71CGC[2], p.Pro26del (NM_021599.4); short protein forms P26del.
Identifiers: ClinVar variation 644961 (VCV000644961.12), dbSNP rs763392299, ClinGen allele CA565121220.